The following is an entry in ClinVar:

NM_152269.5(MTRFR):c.371_373del (p.Asn124del)

Gene: MTRFR (mitochondrial translation release factor in rescue; plus strand). Cytogenetic location: 12q24.31.
Variant type: Deletion.
Coding change: c.371_373del on transcript NM_152269.5 (MANE Select); coding-DNA positions 371 to 373, 3 bases deleted (ACA; older notation c.371_373delACA).
Protein change: p.Asn124del; deletes asparagine 124.
Molecular consequence: inframe deletion.
Genome position (GRCh38, 1-based): chr12:123,256,901-123,256,903, ACA deleted; deleting any 3 consecutive bases within chr12:123,256,900-123,256,903 gives the same sequence; the c. name uses the placement nearest the transcript's 3' end. VCF-style (leftmost placement, unchanged base first): chr12-123256899-AAAC-A. GRCh37 (hg19) VCF-style: chr12-123741446-AAAC-A.
Other names: c.371_373del, p.Asn124del (NM_001143905.2, NM_001194995.1); short protein forms N124del.
Identifiers: ClinVar variation 1681661 (VCV001681661.6), dbSNP rs1195098928, ClinGen allele CA684682353.

ClinVar aggregate classification (germline): Uncertain significance (1 of 4 stars; one submission).

Conditions:
Combined oxidative phosphorylation defect type 7. Identifiers: Orphanet 254930, MedGen C3150801, MONDO:0013306, OMIM 613559.
Spastic paraplegia. Identifiers: MedGen C0037772, HP:0001258.

Submission:

Labcorp Genetics (formerly Invitae), Labcorp
Classification: Uncertain significance for Combined oxidative phosphorylation defect type 7; Spastic paraplegia. Last evaluated: 2021-08-16. Review status: criteria provided, single submitter. Criteria: Invitae Variant Classification Sherloc (09022015). Collection method: clinical testing. Allele origin: germline.
Comment: In summary, the available evidence is currently insufficient to determine the role of this variant in disease. Therefore, it has been classified as a Variant of Uncertain Significance. Experimental studies and prediction algorithms are not available or were not evaluated, and the functional significance of this variant is currently unknown. This variant has not been reported in the literature in individuals affected with C12orf65-related conditions. This variant is not present in population databases (ExAC no frequency). This variant, c.371_373del, results in the deletion of 1 amino acid(s) of the C12orf65 protein (p.Asn124del), but otherwise preserves the integrity of the reading frame.